The following is an entry in ClinVar:

NM_004260.4(RECQL4):c.2492dup (p.His831fs)

Gene: RECQL4 (RecQ like helicase 4; minus strand). Cytogenetic location: 8q24.3.
Variant type: Duplication.
Coding change: c.2492dup on transcript NM_004260.4 (MANE Select); coding-DNA position 2492, one base duplicated (A; older notation c.2492dupA).
Protein change: p.His831fs; shifts the reading frame from histidine 831.
Molecular consequence: frameshift variant.
Genome position (GRCh38, 1-based): chr8:144,513,110, T duplicated on the plus strand (A on the coding strand, the reverse complement: RECQL4 is on the minus strand). VCF-style (leftmost placement, unchanged base first): chr8-144513109-A-AT. GRCh37 (hg19) VCF-style: chr8-145738492-A-AT.
Other names: c.2198dup, p.His733Glnfs (NM_001413017.1); c.2294dup, p.His765Glnfs (NM_001413018.1); c.2492dup, p.His831Glnfs (NM_001413019.1, NM_001413036.1); c.2396dup, p.His799Glnfs (NM_001413020.1); c.1421dup, p.His474Glnfs (NM_001413021.1, NM_001413022.1, NM_001413023.1 and 5 more transcripts); c.2363dup, p.His788Glnfs (NM_001413025.1); c.1355dup, p.His452Glnfs (NM_001413027.1, NM_001413030.1, NM_001413032.1 and 1 more transcripts); c.2141dup, p.His714Glnfs (NM_001413029.1); and 6 more; short protein forms H831fs.
Identifiers: ClinVar variation 2413905 (VCV002413905.6), dbSNP rs2538003343, ClinGen allele CA2580078702.

ClinVar aggregate classification (germline): Pathogenic (1 of 4 stars; one submission).

Conditions:
Baller-Gerold syndrome (BGS). Also called: CRANIOSYNOSTOSIS WITH RADIAL DEFECTS. Identifiers: Orphanet 1225, MedGen C0265308, MONDO:0009039, OMIM 218600.

Submission:

Labcorp Genetics (formerly Invitae), Labcorp
Classification: Pathogenic for Baller-Gerold syndrome. Last evaluated: 2022-09-29. Review status: criteria provided, single submitter. Criteria: Invitae Variant Classification Sherloc (09022015). Collection method: clinical testing. Allele origin: germline.
Comment: This variant has not been reported in the literature in individuals affected with RECQL4-related conditions. For these reasons, this variant has been classified as Pathogenic. This variant is not present in population databases (gnomAD no frequency). This sequence change creates a premature translational stop signal (p.His831Glnfs*53) in the RECQL4 gene. It is expected to result in an absent or disrupted protein product. Loss-of-function variants in RECQL4 are known to be pathogenic (PMID: 12734318, 12952869).

Literature cited by the submitters: PubMed 12734318; PubMed 12952869.